The following is an entry in ClinVar:

NM_002519.3(NPAT):c.156+1del

Gene: NPAT (nuclear protein, coactivator of histone transcription; minus strand). Cytogenetic location: 11q22.3.
Variant type: Deletion.
Coding change: c.156+1del on transcript NM_002519.3 (MANE Select); the canonical splice donor site of the intron after coding-DNA position 156, one base deleted (G; older notation c.156+1delG).
Molecular consequence: splice donor variant.
Genome position (GRCh38, 1-based): chr11:108,197,301, C deleted on the plus strand (G on the coding strand, the reverse complement: NPAT is on the minus strand); the first of 2 consecutive C bases (chr11:108,197,301-108,197,302); deleting either gives the same sequence. VCF-style (leftmost placement, unchanged base first): chr11-108197300-AC-A. GRCh37 (hg19) VCF-style: chr11-108068027-AC-A.
Other names: c.156+1del (NM_001321307.1).
Identifiers: ClinVar variation 2103979 (VCV002103979.4), dbSNP rs2496759845, ClinGen allele CA2580083322.
Genomic context (GRCh38, chr11:108,197,300, plus strand): 5'-ATGACTATGTTTTTAGTCTCTTGTGTTGATGAAATATTTCCCTTAAGGAACAAATAACTC[AC>A]CAGTAAGCAGGCTGGAATAAACCCTTCATCTGTACAATGTTCTGCATATTCTTTTAAATC-3'

ClinVar aggregate classification (germline): Uncertain significance (1 of 4 stars; one submission).

Submission:

Labcorp Genetics (formerly Invitae), Labcorp
Classification: Uncertain significance. Last evaluated: 2023-06-19. Review status: criteria provided, single submitter. Criteria: Invitae Variant Classification Sherloc (09022015). Collection method: clinical testing. Allele origin: germline.
Comment: Algorithms developed to predict the effect of sequence changes on RNA splicing suggest that this variant may disrupt the consensus splice site. In summary, the available evidence is currently insufficient to determine the role of this variant in disease. Therefore, it has been classified as a Variant of Uncertain Significance. ClinVar contains an entry for this variant (Variation ID: 2103979). This sequence change affects a donor splice site in intron 2 of the NPAT gene. It is expected to disrupt RNA splicing. Variants that disrupt the donor or acceptor splice site typically lead to a loss of protein function (PMID: 16199547), however the current clinical and genetic evidence is not sufficient to establish whether loss-of-function variants in NPAT cause disease. This variant is not present in population databases (gnomAD no frequency). This variant has not been reported in the literature in individuals affected with NPAT-related conditions.

Literature cited by the submitters: PubMed 16199547.